The following is an entry in ClinVar:

ClinVar aggregate classification (germline): Uncertain significance (1 of 4 stars; one submission).

Submission:

Labcorp Genetics (formerly Invitae), Labcorp
Classification: Uncertain significance. Last evaluated: 2022-06-14. Review status: criteria provided, single submitter. Criteria: Invitae Variant Classification Sherloc (09022015). Collection method: clinical testing. Allele origin: germline.
Comment: This sequence change replaces asparagine, which is neutral and polar, with isoleucine, which is neutral and non-polar, at codon 362 of the ATP8A2 protein (p.Asn362Ile). This variant is not present in population databases (gnomAD no frequency). This variant has not been reported in the literature in individuals affected with ATP8A2-related conditions. Algorithms developed to predict the effect of missense changes on protein structure and function are either unavailable or do not agree on the potential impact of this missense change (SIFT: "Deleterious"; PolyPhen-2: "Possibly Damaging"; Align-GVGD: "Class C0"). In summary, the available evidence is currently insufficient to determine the role of this variant in disease. Therefore, it has been classified as a Variant of Uncertain Significance.

NM_016529.6(ATP8A2):c.1085A>T (p.Asn362Ile)

Gene: ATP8A2 (ATPase phospholipid transporting 8A2). Cytogenetic location: 13q12.13.
Variant type: single nucleotide variant.
Coding change: c.1085A>T on transcript NM_016529.6 (MANE Select); coding-DNA position 1085, A replaced by T.
Protein change: p.Asn362Ile; replaces asparagine 362 with isoleucine.
Molecular consequence: missense variant.
Genome position (GRCh38, 1-based): chr13:25,553,820, A>T. VCF-style: chr13-25553820-A-T. GRCh37 (hg19) VCF-style: chr13-26127958-A-T.
Other names: c.965A>T, p.Asn322Ile (NM_001313741.1); c.1085A>T, p.Asn362Ile (NM_001411005.1, NM_001411006.1); short protein forms N362I, N322I.
Identifiers: ClinVar variation 2006448 (VCV002006448.4), dbSNP rs2542362816, ClinGen allele CA387613059.
Genomic context (GRCh38, chr13:25,553,820, plus strand): 5'-ACACCTTTCAGATACTCTGGTTTCCTTCCACAGACACCACCTCAGATAATTTTGGATACA[A>T]CCTACTGACGTTCATCATCTTATACAACAATCTTATTCCCATCAGTCTGTTGGTGACTCT-3'
Protein context (NP_057613.4, residues 352-372): MDTTSDNFGY[Asn362Ile]LLTFIILYNN